The following is an entry in ClinVar:

ClinVar aggregate classification (germline): Uncertain significance (1 of 4 stars; one submission).

Submission:

GeneDx
Classification: Uncertain significance. Last evaluated: 2024-12-30. Review status: criteria provided, single submitter. Criteria: GeneDx Variant Classification Process June 2021. Collection method: clinical testing. Allele origin: germline. Affected: yes.
Comment: Not observed at significant frequency in large population cohorts (gnomAD); In-frame duplication of one amino acid with an unclear effect on protein function in a gene in which most reported pathogenic variants are truncating/loss of function; Has not been previously published as pathogenic or benign to our knowledge

NM_001267550.2(TTN):c.71213_71215dup (p.Glu23738_Val23739insGlu)

Genes: TTN (titin; minus strand), TTN-AS1 (TTN antisense RNA 1; plus strand). Cytogenetic location: 2q31.2.
Variant type: Duplication.
Coding change: c.71213_71215dup on transcript NM_001267550.2 (MANE Select); coding-DNA positions 71213 to 71215, 3 bases duplicated (AAG; older notation c.71213_71215dupAAG).
Protein change: p.Glu23738_Val23739insGlu.
Molecular consequence: inframe indel (on NM_001267550.1).
Genome position (GRCh38, 1-based): chr2:178,574,917-178,574,919, CTT duplicated on the plus strand (AAG on the coding strand, the reverse complement: TTN is on the minus strand); duplicating any 3 consecutive bases within chr2:178,574,917-178,574,920 gives the same sequence; the c. name uses the placement nearest the transcript's 3' end. VCF-style (leftmost placement, unchanged base first): chr2-178574916-A-ACTT. GRCh37 (hg19) VCF-style: chr2-179439643-A-ACTT.
Other names: c.66290_66292dup, p.Glu22097_Val22098insGlu (NM_001256850.1); c.44018_44020dup, p.Glu14673_Val14674insGlu (NM_003319.4); c.63509_63511dup, p.Glu21170_Val21171insGlu (NM_133378.4); c.44393_44395dup, p.Glu14798_Val14799insGlu (NM_133432.3); c.44594_44596dup, p.Glu14865_Val14866insGlu (NM_133437.4); c.71213_71215dup (NM_001267550.1).
Identifiers: ClinVar variation 3907703 (VCV003907703.1).
Genomic context (GRCh38, chr2:178,574,916, plus strand): 5'-ATTGGTACACCACCATCGTTCTCAGGTGGGTCCCAAGAGAAGGTTACAAAATCAGATGAA[A>ACTT]CTTCATCAAATTTGATTGGTCCAGTAGGTGGCCCTGGGATATCATGGACTTGAATGGTGA-3'